The following continues an entry in ClinVar:

NM_024675.4(PALB2):c.172_175del (p.Gln60fs)

ClinVar aggregate classification (germline): Pathogenic/Likely pathogenic. Pathogenic (38); Likely pathogenic (1).

Submissions 35 to 47 of 47:

Women's Health and Genetics/Laboratory Corporation of America, LabCorp
Classification: Pathogenic for Hereditary breast and ovarian cancer syndrome. Last evaluated: 2019-01-02. Review status: criteria provided, single submitter. Criteria: LabCorp Variant Classification Summary - May 2015. Collection method: clinical testing. Allele origin: germline.
Comment: Variant summary: PALB2 c.172_175delTTGT (p.Gln60ArgfsX7) results in a premature termination codon, predicted to cause a truncation of the encoded protein or absence of the protein due to nonsense mediated decay, which are commonly known mechanisms for disease. The variant allele was found at a frequency of 4e-05 in 277228 control chromosomes (gnomAD). This frequency is not higher than expected for a pathogenic variant in PALB2 causing Hereditary Breast and Ovarian Cancer (4e-05 vs 0.00016), allowing no conclusion about variant significance. c.172_175delTTGT has been reported in the literature in multiple individuals affected with Hereditary Breast and Ovarian Cancer (Hellebrand 2011, Casadei 2011 ,Kraus 2016) and pancreatic cancer (Jones 2009). These data indicate that the variant is very likely to be associated with disease. In addition, a case-control study found this variant to be present at a significantly higher frequency in breast cancer patients than in unaffected controls (OR=5.02; p=0.0016) (Cybulski 2015). To our knowledge, no experimental evidence demonstrating an impact on protein function has been reported. Ten clinical diagnostic laboratories have submitted clinical-significance assessments for this variant to ClinVar after 2014 without evidence for independent evaluation. All laboratories classified the variant as pathogenic (9)/likely pathogenic(1). Based on the evidence outlined above, the variant was classified as pathogenic.

Human Genome Sequencing Center Clinical Lab, Baylor College of Medicine
Classification: Pathogenic for Familial cancer of breast. Last evaluated: 2018-04-27. Review status: criteria provided, single submitter. Criteria: ACMG Guidelines, 2015. Collection method: clinical testing. Allele origin: germline.
Comment: This variant has been previously described as disease-causing in pancreatic, breast and ovarian cancer (PMID: 19264984, 27038244, 25959805, 21285249, 21285249, 22310028, 22310028). Therefore, we consider this variant to be pathogenic.

Eurofins Ntd Llc (ga)
Classification: Pathogenic. Last evaluated: 2016-12-09. Review status: criteria provided, single submitter. Criteria: EGL Classification Definitions 2015. Collection method: clinical testing. Allele origin: germline.

Cancer Genetics Laboratory, Peter MacCallum Cancer Centre
Classification: Likely pathogenic for Familial cancer of breast. Last evaluated: 2015-06-01. Review status: criteria provided, single submitter. Criteria: Thompson et al. (Breast Cancer Res. 2015). Collection method: case-control. Allele origin: germline. Affected: yes. Observed: 1 variant allele, 1 heterozygote.

Juno Genomics, Hangzhou Juno Genomics, Inc
Classification: Pathogenic for Breast-ovarian cancer, familial, susceptibility to, 5. Review status: criteria provided, single submitter. Criteria: ACMG Guidelines, 2015. Collection method: clinical testing. Allele origin: germline.
Comment: Absent from controls (or at extremely low frequency if recessive) in Genome Aggregation Database.;Null variant in a gene where loss of function (LOF) is a known mechanism of disease.;Novel missense change at an amino acid residue where a different missense change determined to be pathogenic has been seen before.

BRCAlab, Lund University
Classification: Pathogenic for Hereditary breast ovarian cancer syndrome. Last evaluated: 2022-08-26. Review status: no assertion criteria provided. Collection method: clinical testing. Allele origin: germline. Affected: yes. Not counted in ClinVar's aggregate classification.

Clinical Genetics Laboratory, University Hospital Schleswig-Holstein
Classification: Pathogenic for Pancreatic cancer, susceptibility to, 3. Last evaluated: 2021-10-18. Review status: no assertion criteria provided. Collection method: clinical testing. Allele origin: germline. Affected: yes. Not counted in ClinVar's aggregate classification.

Division of Gastroenterology and Hepatology, Shanghai Institute of Digestive Disease, Shanghai Jiao Tong University School of Medicine.
Classification: Likely pathogenic for Colorectal cancer. Last evaluated: 2021-07-19. Review status: no assertion criteria provided. Collection method: research. Allele origin: germline. Inheritance: Autosomal dominant inheritance. Affected: yes. Observed: 1 variant allele, 1 heterozygote. Not counted in ClinVar's aggregate classification.
Comment: The Leu58fs variant in PALB2 has been reported in 1 Chinese family with autosomal dominant predisposition in familial colorectal cancer (CRC).

Leiden Open Variation Database
Classification: Pathogenic. Last evaluated: 2020-02-28. Review status: no assertion criteria provided. Collection method: curation. Allele origin: germline. Affected: yes. Not counted in ClinVar's aggregate classification.
Comment: Curators: Marc Tischkowitz, Arleen D. Auerbach. Submitters to LOVD: Alfons Meindl, Marc Tischkowitz.

CZECANCA consortium
Classification: Pathogenic for Breast and/or ovarian cancer. Last evaluated: 2019-06-11. Review status: no assertion criteria provided. Collection method: clinical testing. Allele origin: germline. Affected: yes. Observed: 3 variant alleles. Not counted in ClinVar's aggregate classification.

Counsyl
Classification: Pathogenic for Familial cancer of breast. Last evaluated: 2017-08-15. Review status: no assertion criteria provided. Collection method: clinical testing. Allele origin: unknown. Not counted in ClinVar's aggregate classification.

OMIM
Classification: risk factor for PANCREATIC CANCER, SUSCEPTIBILITY TO, 3. Last evaluated: 2009-04-10. Review status: no assertion criteria provided. Collection method: literature only. Allele origin: unknown. Not counted in ClinVar's aggregate classification.

OMIM
Classification: risk factor for BREAST-OVARIAN CANCER, FAMILIAL, SUSCEPTIBILITY TO, 5. Last evaluated: 2009-04-10. Review status: no assertion criteria provided. Collection method: literature only. Allele origin: unknown. Not counted in ClinVar's aggregate classification.

Literature cited by the submitters: PubMed 17200668 (cited by Labcorp Genetics (formerly Invitae), Labcorp); PubMed 17200671 (cited by Labcorp Genetics (formerly Invitae), Labcorp); PubMed 17200672 (cited by Labcorp Genetics (formerly Invitae), Labcorp); PubMed 24136930 (cited by 7 submitters); PubMed 25099575 (cited by 4 submitters); PubMed 19264984 (cited by 8 submitters); PubMed 21285249 (cited by 8 submitters); PubMed 21618343 (cited by 7 submitters); PubMed 22310028 (cited by 7 submitters); PubMed 25959805 (cited by 7 submitters); PubMed 27038244 (cited by 3 submitters); PubMed 27616075 (cited by 4 submitters); PubMed 37563628 (cited by Center for Genomic Medicine, Rigshospitalet, Copenhagen University Hospital); PubMed 32546565 (cited by Center for Genomic Medicine, Rigshospitalet, Copenhagen University Hospital); PubMed 25452441 (cited by 3 submitters); PubMed 26283626 (cited by Color Diagnostics, LLC DBA Color Health and Department of Pathology and Laboratory Medicine, Sinai Health System); PubMed 28724667 (cited by Color Diagnostics, LLC DBA Color Health and Ambry Genetics); PubMed 29052111 (cited by 4 submitters); PubMed 29753700 (cited by 3 submitters); PubMed 33471991 (cited by Color Diagnostics, LLC DBA Color Health and Quest Diagnostics Nichols Institute San Juan Capistrano); PubMed 32052252 (cited by Quest Diagnostics Nichols Institute San Juan Capistrano); PubMed 31948886 (cited by Quest Diagnostics Nichols Institute San Juan Capistrano); PubMed 32339256 (cited by Quest Diagnostics Nichols Institute San Juan Capistrano); PubMed 31757951 (cited by Quest Diagnostics Nichols Institute San Juan Capistrano); PubMed 31159747 (cited by Quest Diagnostics Nichols Institute San Juan Capistrano); PubMed 24549055 (cited by 3 submitters); PubMed 25330149 (cited by Quest Diagnostics Nichols Institute San Juan Capistrano and Leiden Open Variation Database); PubMed 27488870 (cited by Sema4); PubMed 30426508 (cited by Sema4); PubMed 31312277 (cited by Sema4); PubMed 30322717 (cited by Sema4); PubMed 28279176 (cited by Department of Pathology and Laboratory Medicine, Sinai Health System); PubMed 32295079 (cited by CZECANCA consortium); PubMed 31841383 (cited by OMIM).